The following is an entry in ClinVar:

NM_001105206.3(LAMA4):c.874G>A (p.Glu292Lys)

Gene: LAMA4 (laminin subunit alpha 4; minus strand). Cytogenetic location: 6q21.
Variant type: single nucleotide variant.
Coding change: c.874G>A on transcript NM_001105206.3 (MANE Select); coding-DNA position 874, G replaced by A.
Protein change: p.Glu292Lys; replaces glutamic acid 292 with lysine.
Molecular consequence: missense variant.
Genome position (GRCh38, 1-based): chr6:112,187,542, C>T on the plus strand (G>A on the coding strand, the complement: LAMA4 is on the minus strand). VCF-style: chr6-112187542-C-T. GRCh37 (hg19) VCF-style: chr6-112508744-C-T.
Other names: c.853G>A, p.Glu285Lys (NM_001105207.3, NM_002290.5); c.853G>A (LRG_433t2); short protein forms E285K, E292K.
Identifiers: ClinVar variation 264484 (VCV000264484.17), dbSNP rs781838464, ClinGen allele CA3966002.

ClinVar aggregate classification (germline): Conflicting classifications of pathogenicity. Review status: criteria provided, conflicting classifications (1 of 4 stars). 5 submissions from 5 submitters: Uncertain significance (2); Likely benign (1). 2 of the submissions do not count toward it. Last evaluated 2026-01-28.

Conditions:
Cardiovascular phenotype. Identifiers: MedGen CN230736.
Dilated cardiomyopathy 1JJ (CMD1JJ). Identifiers: Orphanet 154, MedGen C3808935, MONDO:0014095, OMIM 615235.

Allele frequency attached by ClinVar (database versions not stated): gnomAD exomes 0.00001 and 0.00003; gnomAD 0.00003 and 0.00007; TOPMed 0.00008; ExAC 0.00007.
gnomAD v4.1: 26 of 1,613,978 alleles (0.0016%); highest among the groups gnomAD compares: East Asian, 0.0089%; no homozygotes.

Submissions (5):

Labcorp Genetics (formerly Invitae), Labcorp
Classification: Uncertain significance for Dilated cardiomyopathy 1JJ. Last evaluated: 2026-01-28. Review status: criteria provided, single submitter. Criteria: Invitae Variant Classification Sherloc (09022015). Collection method: clinical testing. Allele origin: germline.
Comment: This sequence change replaces glutamic acid, which is acidic and polar, with lysine, which is basic and polar, at codon 285 of the LAMA4 protein (p.Glu285Lys). This variant is present in population databases (rs781838464, gnomAD 0.007%). This variant has not been reported in the literature in individuals affected with LAMA4-related conditions. ClinVar contains an entry for this variant (Variation ID: 264484). Invitae Evidence Modeling of protein sequence and biophysical properties (such as structural, functional, and spatial information, amino acid conservation, physicochemical variation, residue mobility, and thermodynamic stability) indicates that this missense variant is not expected to disrupt LAMA4 protein function with a negative predictive value of 80%. In summary, the available evidence is currently insufficient to determine the role of this variant in disease. Therefore, it has been classified as a Variant of Uncertain Significance.

Ambry Genetics
Classification: Likely benign for Cardiovascular phenotype. Last evaluated: 2024-04-01. Review status: criteria provided, single submitter. Criteria: Ambry Variant Classification Scheme 2023. Collection method: clinical testing. Allele origin: germline.

Stanford Center for Inherited Cardiovascular Disease, Stanford University
Classification: Uncertain significance. Last evaluated: 2017-06-14. Review status: criteria provided, single submitter. Criteria: ACMG Guidelines, 2015. Collection method: provider interpretation. Allele origin: germline.

Clinical Genetics DNA and cytogenetics Diagnostics Lab, Erasmus MC, Erasmus Medical Center
Classification: Uncertain significance. Review status: no assertion criteria provided. Collection method: clinical testing. Allele origin: germline. Affected: yes. Study: VKGL Data-share Consensus. Not counted in ClinVar's aggregate classification.

Genome Diagnostics Laboratory, University Medical Center Utrecht
Classification: Uncertain significance. Review status: no assertion criteria provided. Collection method: clinical testing. Allele origin: germline. Affected: yes. Study: VKGL Data-share Consensus. Not counted in ClinVar's aggregate classification.